The following is an entry in ClinVar:

ClinVar aggregate classification (germline): Uncertain significance (1 of 4 stars; one submission).

Conditions:
Familial thoracic aortic aneurysm and aortic dissection (TAAD). Also called: Thoracic aortic aneurysms and dissections. Identifiers: Orphanet 91387, MedGen C4707243, MONDO:0019625.

Submission:

Labcorp Genetics (formerly Invitae), Labcorp
Classification: Uncertain significance for Familial thoracic aortic aneurysm and aortic dissection. Last evaluated: 2022-08-15. Review status: criteria provided, single submitter. Criteria: Invitae Variant Classification Sherloc (09022015). Collection method: clinical testing. Allele origin: germline.
Comment: In summary, the available evidence is currently insufficient to determine the role of this variant in disease. Therefore, it has been classified as a Variant of Uncertain Significance. Algorithms developed to predict the effect of sequence changes on RNA splicing suggest that this variant may create or strengthen a splice site. Algorithms developed to predict the effect of missense changes on protein structure and function (SIFT, PolyPhen-2, Align-GVGD) all suggest that this variant is likely to be tolerated. ClinVar contains an entry for this variant (Variation ID: 1355280). This variant has not been reported in the literature in individuals affected with TGFBR2-related conditions. This variant is not present in population databases (gnomAD no frequency). This sequence change replaces valine, which is neutral and non-polar, with phenylalanine, which is neutral and non-polar, at codon 32 of the TGFBR2 protein (p.Val32Phe).

NM_003242.6(TGFBR2):c.94G>T (p.Val32Phe)

Gene: TGFBR2 (transforming growth factor beta receptor 2; plus strand). Cytogenetic location: 3p24.1.
Variant type: single nucleotide variant.
Coding change: c.94G>T on transcript NM_003242.6 (MANE Select); coding-DNA position 94, G replaced by T.
Protein change: p.Val32Phe; replaces valine 32 with phenylalanine.
Molecular consequence: missense variant. On other transcripts: nonsense (1).
Genome position (GRCh38, 1-based): chr3:30,606,977, G>T. VCF-style: chr3-30606977-G-T. GRCh37 (hg19) VCF-style: chr3-30648469-G-T.
Other names: c.94G>T, p.Asp32Tyr (NM_001024847.3, NM_001407126.1, NM_001407137.1 and 1 more transcripts); c.94G>T, p.Val32Phe (NM_001407127.1, NM_001407130.1); c.-190G>T (NM_001407133.1); c.-68G>T (NM_001407134.1); c.-115G>T (NM_001407135.1); c.-200G>T (NM_001407136.1); c.94G>T, p.Glu32Ter (NM_001407138.1); short protein forms D32Y, V32F, E32*.
Identifiers: ClinVar variation 1355280 (VCV001355280.9), dbSNP rs2125438854, ClinGen allele CA351830647.